The following is an entry in ClinVar:

ClinVar aggregate classification (germline): Uncertain significance (1 of 4 stars; one submission).

Submission:

Medical Genetic Center, Changzhi Maternal and Child Health Care Hospital
Classification: Uncertain significance. Last evaluated: 2025-12-10. Review status: criteria provided, single submitter. Criteria: ACMG/ClinGen CNV Guidelines, 2019. Collection method: clinical testing. Allele origin: unknown.
Comment: 22q11.2 recurrent region (distal type III, E/F-H) (includes SMARCB1) (TS Score = 1)

GRCh38/hg38 22q11.22-11.23(chr22:22997928-25066487)x3

Genes: ADORA2A (adenosine A2a receptor; plus strand), ADORA2A-AS1 (ADORA2A antisense RNA 1; minus strand), BCR (BCR activator of RhoGEF and GTPase; plus strand), C22orf15 (chromosome 22 open reading frame 15; plus strand), CABIN1 (calcineurin binding protein 1; plus strand) and 116 more. Cytogenetic location: 22q11.22-11.23.
Variant type: copy number gain.
Change: copy number 3 (three copies instead of two) of chr22:22,997,928-25,066,487 (2.07 Mb, GRCh38 coordinates, 1-based), cytogenetic band 22q11.22-11.23.
Identifiers: ClinVar variation 4796040 (VCV004796040.1).